The following is an entry in ClinVar:

NM_003072.5(SMARCA4):c.1860C>G (p.Ile620Met)

Gene: SMARCA4 (SWI/SNF related BAF chromatin remodeling complex subunit ATPase 4; plus strand). Cytogenetic location: 19p13.2.
Variant type: single nucleotide variant.
Coding change: c.1860C>G on transcript NM_003072.5 (MANE Select); coding-DNA position 1860, C replaced by G.
Protein change: p.Ile620Met; replaces isoleucine 620 with methionine.
Molecular consequence: missense variant. On other transcripts: non-coding transcript variant (1).
Genome position (GRCh38, 1-based): chr19:11,003,076, C>G. VCF-style: chr19-11003076-C-G. GRCh37 (hg19) VCF-style: chr19-11113752-C-G.
Other names: c.1860C>G, p.Ile620Met (NM_001128844.3, NM_001128845.2, NM_001128846.2 and 5 more transcripts); short protein forms I620M.
Identifiers: ClinVar variation 408671 (VCV000408671.16), dbSNP rs141751028, ClinGen allele CA9203922.

ClinVar aggregate classification (germline): Conflicting classifications of pathogenicity. Review status: criteria provided, conflicting classifications (1 of 4 stars). 3 submissions from 3 submitters: Uncertain significance (2); Likely benign (1). Last evaluated 2025-03-27.

Conditions:
Hereditary cancer-predisposing syndrome. Also called: Hereditary Cancer Syndrome; Hereditary neoplastic syndrome; Neoplastic Syndromes, Hereditary; Tumor predisposition. Identifiers: Orphanet 140162, MedGen C0027672, MeSH D009386, MONDO:0015356.
Intellectual disability, autosomal dominant 16 (CSS4). Also called: COFFIN-SIRIS SYNDROME 4. Identifiers: Orphanet 1465, MedGen C3553249, MONDO:0013821, OMIM 614609.
Rhabdoid tumor predisposition syndrome 2 (RTPS2). Identifiers: Orphanet 231108, Orphanet 69077, MedGen C2750074, MONDO:0013224, OMIM 613325.

Allele frequency attached by ClinVar (database versions not stated): TOPMed below 0.00001; ESP Exome Variant Server 0.00008.
gnomAD v4.1: 2 of 1,613,948 alleles (0.00012%); highest among the groups gnomAD compares: Non-Finnish European, 0.000085%; no homozygotes.

Submissions (3):

Ambry Genetics
Classification: Likely benign for Hereditary cancer-predisposing syndrome. Last evaluated: 2025-03-27. Review status: criteria provided, single submitter. Criteria: Ambry Variant Classification Scheme 2023. Collection method: clinical testing. Allele origin: germline.

Labcorp Genetics (formerly Invitae), Labcorp
Classification: Uncertain significance for Rhabdoid tumor predisposition syndrome 2. Last evaluated: 2024-05-04. Review status: criteria provided, single submitter. Criteria: Invitae Variant Classification Sherloc (09022015). Collection method: clinical testing. Allele origin: germline.
Comment: This sequence change replaces isoleucine, which is neutral and non-polar, with methionine, which is neutral and non-polar, at codon 620 of the SMARCA4 protein (p.Ile620Met). This variant is present in population databases (rs141751028, gnomAD 0.0009%). This variant has not been reported in the literature in individuals affected with SMARCA4-related conditions. ClinVar contains an entry for this variant (Variation ID: 408671). Advanced modeling of protein sequence and biophysical properties (such as structural, functional, and spatial information, amino acid conservation, physicochemical variation, residue mobility, and thermodynamic stability) performed at Invitae indicates that this missense variant is not expected to disrupt SMARCA4 protein function with a negative predictive value of 95%. In summary, the available evidence is currently insufficient to determine the role of this variant in disease. Therefore, it has been classified as a Variant of Uncertain Significance.

Genome-Nilou Lab
Classification: Uncertain significance for Intellectual disability, autosomal dominant 16. Last evaluated: 2021-07-15. Review status: criteria provided, single submitter. Criteria: ACMG Guidelines, 2015. Collection method: clinical testing. Allele origin: germline. Affected: no.

Literature cited by the submitters: PubMed 23929686 (cited by Ambry Genetics).